The following is an entry in ClinVar:

ClinVar aggregate classification (germline): Likely benign (1 of 4 stars; one submission).

Submission:

CeGaT Center for Human Genetics Tuebingen
Classification: Likely benign. Last evaluated: 2025-11-01. Review status: criteria provided, single submitter. Criteria: CeGaT Center For Human Genetics Tuebingen Variant Classification Criteria Version 2. Collection method: clinical testing. Allele origin: germline. Affected: yes. Observed: 1 variant allele.
Comment: ADARB1: BP4

NM_001112.4(ADARB1):c.1397-460_1397-457del

Gene: ADARB1 (adenosine deaminase RNA specific B1; plus strand). Cytogenetic location: 21q22.3.
Variant type: Deletion.
Coding change: c.1397-460_1397-457del on transcript NM_001112.4 (MANE Select); 460 bases into the intron before coding-DNA position 1397 through 457 bases into the intron before coding-DNA position 1397, 4 bases deleted (TTTT; older notation c.1397-460_1397-457delTTTT).
Molecular consequence: intron variant.
Genome position (GRCh38, 1-based): chr21:45,184,463-45,184,466, TTTT deleted; deleting any 4 consecutive bases within chr21:45,184,449-45,184,466 gives the same sequence; the c. name uses the placement nearest the transcript's 3' end. VCF-style (leftmost placement, unchanged base first): chr21-45184448-ATTTT-A. GRCh37 (hg19) VCF-style: chr21-46604363-ATTTT-A.
Other names: c.1397-11_1397-8del (NM_015833.4, NM_015834.4); c.1397-460_1397-457del (NM_001160230.2, NM_001346688.2); c.1544-11_1544-8del (NM_001346687.2); c.1544-460_1544-457del (NM_001410722.1).
Identifiers: ClinVar variation 4533406 (VCV004533406.6).